The following is an entry in ClinVar:

NM_177438.3(DICER1):c.5504A>G (p.Tyr1835Cys)

Gene: DICER1 (dicer 1, ribonuclease III; minus strand). Cytogenetic location: 14q32.13.
Variant type: single nucleotide variant.
Coding change: c.5504A>G on transcript NM_177438.3 (MANE Select); coding-DNA position 5504, A replaced by G.
Protein change: p.Tyr1835Cys; replaces tyrosine 1835 with cysteine.
Molecular consequence: missense variant. On other transcripts: intron variant (1).
Genome position (GRCh38, 1-based): chr14:95,091,226, T>C on the plus strand (A>G on the coding strand, the complement: DICER1 is on the minus strand). VCF-style: chr14-95091226-T-C. GRCh37 (hg19) VCF-style: chr14-95557563-T-C.
Other names: c.5504A>G, p.Tyr1835Cys (NM_001271282.3, NM_001291628.2, NM_030621.4); c.5365-117A>G (NM_001195573.1); short protein forms Y1835C.
Identifiers: ClinVar variation 412116 (VCV000412116.28), dbSNP rs747510783, ClinGen allele CA7330658.

ClinVar aggregate classification (germline): Conflicting classifications of pathogenicity. Review status: criteria provided, conflicting classifications (1 of 4 stars). 8 submissions from 8 submitters: Uncertain significance (7); Likely benign (1). Last evaluated 2026-02-02.

Conditions:
DICER1-related disorder. Also called: DICER1-related condition.
Global developmental delay - lung cysts - overgrowth - Wilms tumor syndrome. Also called: GLOBAL DEVELOPMENTAL DELAY, LUNG CYSTS, OVERGROWTH, AND WILMS TUMOR; GLOW Syndrome. Identifiers: Orphanet 404476, MedGen C4748924, MONDO:0018445, OMIM 618272.
DICER1-related tumor predisposition. Also called: DICER1 syndrome; DICER1-related pleuropulmonary blastoma cancer predisposition syndrome. Identifiers: Orphanet 284343, MedGen C3839822, MONDO:0100216.
Hereditary cancer-predisposing syndrome. Also called: Neoplastic Syndromes, Hereditary; Tumor predisposition; Hereditary Cancer Syndrome; Hereditary neoplastic syndrome. Identifiers: Orphanet 140162, MedGen C0027672, MeSH D009386, MONDO:0015356.

Allele frequency attached by ClinVar (database versions not stated): TOPMed 0.00013.
gnomAD v4.1: 79 of 1,614,058 alleles (0.0049%); highest among the groups gnomAD compares: Middle Eastern, 0.066%; no homozygotes.

Submissions (8):

Labcorp Genetics (formerly Invitae), Labcorp
Classification: Likely benign for DICER1-related tumor predisposition. Last evaluated: 2026-02-02. Review status: criteria provided, single submitter. Criteria: Invitae Variant Classification Sherloc (09022015). Collection method: clinical testing. Allele origin: germline.

PreventionGenetics, part of Exact Sciences
Classification: Uncertain significance for DICER1-related condition. Last evaluated: 2026-01-11. Review status: criteria provided, single submitter. Criteria: ACMG Guidelines, 2015. Collection method: clinical testing. Allele origin: germline.
Comment: The DICER1 c.5504A>G variant is predicted to result in the amino acid substitution p.Tyr1835Cys. To our knowledge, this variant has not been reported in the literature. This variant is reported in 0.020% of alleles in individuals of Latino descent in gnomAD and has conflicting interpretations in ClinVar ranging from uncertain to likely benign (Variation ID: 412116). At this time, the clinical significance of this variant is uncertain due to the absence of conclusive functional and genetic evidence.

Center for Genomic Medicine, Rigshospitalet, Copenhagen University Hospital
Classification: Uncertain significance. Last evaluated: 2025-03-04. Review status: criteria provided, single submitter. Criteria: ACMG Guidelines, 2015. Collection method: clinical testing. Allele origin: germline.

Hereditary Cancer Group, L’Institut d'Investigació Biomèdica de Bellvitge
Classification: Uncertain significance for Hereditary cancer-predisposing syndrome. Last evaluated: 2024-12-19. Review status: criteria provided, single submitter. Criteria: Hatton et al. (Hum Mutat. 2023). Collection method: clinical testing. Allele origin: germline. Inheritance: Autosomal dominant inheritance. Affected: yes.
Comment: PM1_supporting

Ambry Genetics
Classification: Uncertain significance for Hereditary cancer-predisposing syndrome. Last evaluated: 2024-11-12. Review status: criteria provided, single submitter. Criteria: Ambry Variant Classification Scheme 2023. Collection method: clinical testing. Allele origin: germline.
Comment: The p.Y1835C variant (also known as c.5504A>G), located in coding exon 24 of the DICER1 gene, results from an A to G substitution at nucleotide position 5504. The tyrosine at codon 1835 is replaced by cysteine, an amino acid with highly dissimilar properties. This amino acid position is well conserved in available vertebrate species. In addition, this alteration is predicted to be deleterious by in silico analysis. Since supporting evidence is limited at this time, the clinical significance of this alteration remains unclear.

GeneDx
Classification: Uncertain significance. Last evaluated: 2024-07-30. Review status: criteria provided, single submitter. Criteria: GeneDx Variant Classification Process June 2021. Collection method: clinical testing. Allele origin: germline.
Comment: In silico analysis supports that this missense variant has a deleterious effect on protein structure/function; Observed in a patient with an adenoid cystic carcinoma (PMID: 32570879); This variant is associated with the following publications: (PMID: 32570879)

Baylor Genetics
Classification: Uncertain significance for Global developmental delay - lung cysts - overgrowth - Wilms tumor syndrome. Last evaluated: 2024-03-17. Review status: criteria provided, single submitter. Criteria: ACMG Guidelines, 2015. Collection method: clinical testing. Allele origin: unknown.

Quest Diagnostics Nichols Institute San Juan Capistrano
Classification: Uncertain significance. Last evaluated: 2023-10-09. Review status: criteria provided, single submitter. Criteria: Quest Diagnostics criteria. Collection method: clinical testing. Allele origin: unknown.